The following is an entry in ClinVar:

NM_024642.5(GALNT12):c.1099A>G (p.Lys367Glu)

Gene: GALNT12 (polypeptide N-acetylgalactosaminyltransferase 12; plus strand). Cytogenetic location: 9q22.33.
Variant type: single nucleotide variant.
Coding change: c.1099A>G on transcript NM_024642.5 (MANE Select); coding-DNA position 1099, A replaced by G.
Protein change: p.Lys367Glu; replaces lysine 367 with glutamic acid.
Molecular consequence: missense variant.
Genome position (GRCh38, 1-based): chr9:98,837,035, A>G. VCF-style: chr9-98837035-A-G. GRCh37 (hg19) VCF-style: chr9-101599317-A-G.
Other names: short protein forms K367E.
Identifiers: ClinVar variation 4261493 (VCV004261493.1).

ClinVar aggregate classification (germline): Uncertain significance (1 of 4 stars; one submission).

gnomAD v4.1: 7 of 1,614,142 alleles (0.00043%); highest among the groups gnomAD compares: Non-Finnish European, 0.00059%; no homozygotes.

Submission:

Ambry Genetics
Classification: Uncertain significance. Last evaluated: 2025-08-02. Review status: criteria provided, single submitter. Criteria: Ambry Variant Classification Scheme 2023. Collection method: clinical testing. Allele origin: germline.
Comment: The p.K367E variant (also known as c.1099A>G), located in coding exon 6 of the GALNT12 gene, results from an A to G substitution at nucleotide position 1099. The lysine at codon 367 is replaced by glutamic acid, an amino acid with similar properties. This amino acid position is conserved. In addition, the in silico prediction for this alteration is inconclusive. Based on the available evidence, the clinical significance of this variant remains unclear.